The following is an entry in ClinVar:

NM_020297.4(ABCC9):c.4175T>C (p.Ile1392Thr)

Genes: KCNJ8-AS1 (KCNJ8 antisense RNA 1; plus strand), ABCC9 (ATP binding cassette subfamily C member 9; minus strand). Cytogenetic location: 12p12.1.
Variant type: single nucleotide variant.
Coding change: c.4175T>C on transcript NM_020297.4 (MANE Select); coding-DNA position 4175, T replaced by C.
Protein change: p.Ile1392Thr; replaces isoleucine 1392 with threonine.
Molecular consequence: missense variant.
Genome position (GRCh38, 1-based): chr12:21,812,085, A>G on the plus strand (T>C on the coding strand, the complement: ABCC9 is on the minus strand). VCF-style: chr12-21812085-A-G. GRCh37 (hg19) VCF-style: chr12-21965019-A-G.
Other names: c.4175T>C, p.Ile1392Thr (NM_001377273.1, NM_005691.4); c.3308T>C, p.Ile1103Thr (NM_001377274.1); short protein forms I1103T, I1392T.
Identifiers: ClinVar variation 3775758 (VCV003775758.1).

ClinVar aggregate classification (germline): Uncertain significance (1 of 4 stars; one submission).

Conditions:
Hypertrichotic osteochondrodysplasia Cantu type. Also called: Cantu Syndrome; Cantú Syndrome. Identifiers: Orphanet 1517, MedGen C0795905, MONDO:0009406, OMIM 239850.

Submission:

3billion
Classification: Uncertain significance for Hypertrichotic osteochondrodysplasia Cantu type. Last evaluated: 2023-11-21. Review status: criteria provided, single submitter. Criteria: ACMG Guidelines, 2015. Collection method: clinical testing. Allele origin: germline. Affected: yes.
Comment: The variant is not observed in the gnomAD v2.1.1 dataset. Predicted Consequence/Location: Missense changes are a common disease-causing mechanism. In silico tool predictions suggest damaging effect of the variant on gene or gene product [REVEL: 0.95 (>=0.6, sensitivity 0.68 and specificity 0.92)]. Therefore, this variant is classified as VUS according to the recommendation of ACMG/AMP guideline.